The following is an entry in ClinVar:

NM_000059.4(BRCA2):c.2251dup (p.Thr751fs)

Gene: BRCA2 (BRCA2 DNA repair associated; plus strand). Cytogenetic location: 13q13.1.
Variant type: Duplication.
Coding change: c.2251dup on transcript NM_000059.4 (MANE Select); coding-DNA position 2251, one base duplicated (A; older notation c.2251dupA).
Protein change: p.Thr751fs; shifts the reading frame from threonine 751.
Molecular consequence: frameshift variant.
Genome position (GRCh38, 1-based): chr13:32,336,606, A duplicated. VCF-style (leftmost placement, unchanged base first): chr13-32336605-T-TA. GRCh37 (hg19) VCF-style: chr13-32910742-T-TA.
Other names: - not available -; c.2251dupA (NM_000059.3); short protein forms T751fs.
Identifiers: ClinVar variation 266689 (VCV000266689.24), dbSNP rs886040416, ClinGen allele CA10589145.

ClinVar aggregate classification (germline): Pathogenic. Review status: reviewed by expert panel (3 of 4 stars). 9 submissions from 9 submitters: Pathogenic (1). 8 of the submissions do not count toward it. Last evaluated 2016-10-18.

Conditions:
Hereditary cancer-predisposing syndrome. Also called: Tumor predisposition; Neoplastic Syndromes, Hereditary; Hereditary neoplastic syndrome; Hereditary Cancer Syndrome. Identifiers: Orphanet 140162, MedGen C0027672, MeSH D009386, MONDO:0015356.
Hereditary breast ovarian cancer syndrome. Also called: Hereditary breast and ovarian cancer; Hereditary breast and ovarian cancer syndrome (HBOC); Hereditary breast and/or ovarian cancer syndrome; Breast and ovarian cancer; Hereditary breast and ovarian cancer syndrome; BRCA1- and BRCA2-Associated Hereditary Breast and Ovarian Cancer. Identifiers: Orphanet 145, MedGen C0677776, MeSH D061325, MONDO:0003582. Disease mechanism: loss of function.
Breast-ovarian cancer, familial, susceptibility to, 2 (BROVCA2). Also called: BRCA2 Hereditary Breast and Ovarian Cancer. Identifiers: Orphanet 145, MedGen C2675520, MONDO:0012933, OMIM 612555. Disease mechanism: loss of function.
Familial cancer of breast. Also called: Hereditary breast cancer; BREAST CANCER, FAMILIAL; hereditary breast carcinoma. Identifiers: Orphanet 227535, MedGen C0346153, MONDO:0016419, OMIM 114480. Disease mechanism: loss of function.

Allele frequency attached by ClinVar (database versions not stated): gnomAD exomes below 0.00001.

Submissions (9):

Evidence-based Network for the Interpretation of Germline Mutant Alleles (ENIGMA)
Classification: Pathogenic for Breast-ovarian cancer, familial, susceptibility to, 2. Last evaluated: 2016-10-18. Review status: reviewed by expert panel. Criteria: ENIGMA BRCA1/2 Classification Criteria (2015). Collection method: curation. Allele origin: germline.
Comment: Variant allele predicted to encode a truncated non-functional protein.

GeneDx
Classification: Pathogenic. Last evaluated: 2025-02-18. Review status: criteria provided, single submitter. Criteria: GeneDx Variant Classification Process June 2021. Collection method: clinical testing. Allele origin: germline. Affected: yes. Not counted in ClinVar's aggregate classification.
Comment: Frameshift variant predicted to result in protein truncation or nonsense mediated decay in a gene for which loss of function is a known mechanism of disease; Not observed at significant frequency in large population cohorts (gnomAD); Truncating variants in this gene are considered pathogenic by a well-established clinical consortium and/or database; Also known as 2479dupA; This variant is associated with the following publications: (PMID: 29446198, 31409081, 33461583, 20104584)

Ambry Genetics
Classification: Pathogenic for Hereditary cancer-predisposing syndrome. Last evaluated: 2025-02-03. Review status: criteria provided, single submitter. Criteria: Ambry Variant Classification Scheme 2023. Collection method: clinical testing. Allele origin: germline. Not counted in ClinVar's aggregate classification.
Comment: The c.2251dupA pathogenic mutation, located in coding exon 10 of the BRCA2 gene, results from a duplication of A at nucleotide position 2251, causing a translational frameshift with a predicted alternate stop codon (p.T751Nfs*2). This variant is considered to be rare based on population cohorts in the Genome Aggregation Database (gnomAD). This alteration is expected to result in loss of function by premature protein truncation or nonsense-mediated mRNA decay. As such, this alteration is interpreted as a disease-causing mutation.

Labcorp Genetics (formerly Invitae), Labcorp
Classification: Pathogenic for Hereditary breast ovarian cancer syndrome. Last evaluated: 2022-12-23. Review status: criteria provided, single submitter. Criteria: Invitae Variant Classification Sherloc (09022015). Collection method: clinical testing. Allele origin: germline. Not counted in ClinVar's aggregate classification.
Comment: For these reasons, this variant has been classified as Pathogenic. ClinVar contains an entry for this variant (Variation ID: 266689). This variant has not been reported in the literature in individuals affected with BRCA2-related conditions. This variant is not present in population databases (gnomAD no frequency). This sequence change creates a premature translational stop signal (p.Thr751Asnfs*2) in the BRCA2 gene. It is expected to result in an absent or disrupted protein product. Loss-of-function variants in BRCA2 are known to be pathogenic (PMID: 20104584).

Baylor Genetics
Classification: Pathogenic for Familial cancer of breast. Last evaluated: 2022-06-01. Review status: criteria provided, single submitter. Criteria: ACMG Guidelines, 2015. Collection method: clinical testing. Allele origin: unknown. Not counted in ClinVar's aggregate classification.

Women's Health and Genetics/Laboratory Corporation of America, LabCorp
Classification: Pathogenic for Hereditary breast and ovarian cancer syndrome. Last evaluated: 2020-11-23. Review status: criteria provided, single submitter. Criteria: LabCorp Variant Classification Summary - May 2015. Collection method: clinical testing. Allele origin: germline. Not counted in ClinVar's aggregate classification.
Comment: Variant summary: BRCA2 c.2251dupA (p.Thr751AsnfsX2) results in a premature termination codon, predicted to cause a truncation of the encoded protein or absence of the protein due to nonsense mediated decay, which are commonly known mechanisms for disease. Truncations downstream of this position have been classified as pathogenic by our laboratory. The variant was absent in 251258 control chromosomes. c.2251dupA has been reported in the literature in individuals affected with Hereditary Breast And Ovarian Cancer Syndrome (example, Rebbeck_2018, Machakova_2019). To our knowledge, no experimental evidence demonstrating an impact on protein function has been reported. Five clinical diagnostic laboratories and one expert panel (ENIGMA) have submitted clinical-significance assessments for this variant to ClinVar after 2014 without evidence for independent evaluation. All submitters classified the variant as pathogenic. Based on the evidence outlined above, the variant was classified as pathogenic.

Color Diagnostics, LLC DBA Color Health
Classification: Pathogenic for Hereditary cancer-predisposing syndrome. Last evaluated: 2020-01-15. Review status: criteria provided, single submitter. Criteria: ACMG Guidelines, 2015. Collection method: clinical testing. Allele origin: germline. Not counted in ClinVar's aggregate classification.
Comment: This variant inserts 1 nucleotide in exon 11 of the BRCA2 gene, creating a frameshift and premature translation stop signal. This variant is expected to result in an absent or non-functional protein product. This variant has not been identified in the general population by the Genome Aggregation Database (gnomAD). Loss of BRCA2 function is a known mechanism of disease. Based on the available evidence, this variant is classified as Pathogenic.

Quest Diagnostics Nichols Institute San Juan Capistrano
Classification: Pathogenic. Last evaluated: 2017-11-19. Review status: criteria provided, single submitter. Criteria: Quest Diagnostics criteria. Collection method: clinical testing. Allele origin: germline. Not counted in ClinVar's aggregate classification.

Consortium of Investigators of Modifiers of BRCA1/2 (CIMBA), c/o University of Cambridge
Classification: Pathogenic for Breast-ovarian cancer, familial, susceptibility to, 2. Last evaluated: 2015-10-02. Review status: criteria provided, single submitter. Criteria: CIMBA Mutation Classification guidelines May 2016. Collection method: clinical testing. Allele origin: germline. Not counted in ClinVar's aggregate classification.

Literature cited by the submitters: PubMed 20104584 (cited by Labcorp Genetics (formerly Invitae), Labcorp); PubMed 29446198 (cited by Women's Health and Genetics/Laboratory Corporation of America, LabCorp); PubMed 31409081 (cited by Women's Health and Genetics/Laboratory Corporation of America, LabCorp).